The following is an entry in ClinVar:

NM_000104.4(CYP1B1):c.594C>T (p.Val198=)

Gene: CYP1B1 (cytochrome P450 family 1 subfamily B member 1; minus strand). Cytogenetic location: 2p22.2.
Variant type: single nucleotide variant.
Coding change: c.594C>T on transcript NM_000104.4 (MANE Select); coding-DNA position 594, C replaced by T.
Protein change: p.Val198=; no amino-acid change (valine 198 retained).
Molecular consequence: synonymous variant.
Genome position (GRCh38, 1-based): chr2:38,074,795, G>A on the plus strand (C>T on the coding strand, the complement: CYP1B1 is on the minus strand). VCF-style: chr2-38074795-G-A. GRCh37 (hg19) VCF-style: chr2-38301938-G-A.
Identifiers: ClinVar variation 770056 (VCV000770056.15), dbSNP rs34731639, ClinGen allele CA1620002.

ClinVar aggregate classification (germline): Benign/Likely benign. Review status: criteria provided, multiple submitters, no conflicts (2 of 4 stars). 4 submissions from 4 submitters: Benign (1); Likely benign (2). 1 of the submissions does not count toward it. Last evaluated 2026-01-22.

Conditions:
Congenital glaucoma. Identifiers: MedGen C0020302, MONDO:0020366.
CYP1B1-related disorder. Also called: CYP1B1-Related Disorders. Identifiers: MedGen CN239260.

Allele frequency attached by ClinVar (database versions not stated): gnomAD exomes 0.00097; ExAC 0.00199; ESP Exome Variant Server 0.00272; gnomAD 0.00397 and 0.00420; TOPMed 0.00438; 1000 Genomes Project 30x 0.00547; 1000 Genomes Project 0.00579.
gnomAD v4.1: 1,107 of 1,583,948 alleles (0.07%); highest among the groups gnomAD compares: African/African-American, 1.4%; 10 homozygotes.

Submissions (4):

Labcorp Genetics (formerly Invitae), Labcorp
Classification: Benign for Congenital glaucoma. Last evaluated: 2026-01-22. Review status: criteria provided, single submitter. Criteria: Invitae Variant Classification Sherloc (09022015). Collection method: clinical testing. Allele origin: germline.

Blueprint Genetics
Classification: Likely benign. Last evaluated: 2024-11-25. Review status: criteria provided, single submitter. Criteria: ACMG Guidelines, 2015. Collection method: clinical testing. Allele origin: germline.

GeneDx
Classification: Likely benign. Last evaluated: 2019-03-24. Review status: criteria provided, single submitter. Criteria: GeneDx Variant Classification Process June 2021. Collection method: clinical testing. Allele origin: germline. Affected: yes.

PreventionGenetics, part of Exact Sciences
Classification: Benign for CYP1B1-related condition. Last evaluated: 2022-02-01. Review status: no assertion criteria provided. Collection method: clinical testing. Allele origin: germline. Not counted in ClinVar's aggregate classification.
Comment: This variant is classified as benign based on ACMG/AMP sequence variant interpretation guidelines (Richards et al. 2015 PMID: 25741868, with internal and published modifications).